The following is an entry in ClinVar:

NM_006922.4(SCN3A):c.1561G>A (p.Asp521Asn)

Gene: SCN3A (sodium voltage-gated channel alpha subunit 3; minus strand). Cytogenetic location: 2q24.3.
Variant type: single nucleotide variant.
Coding change: c.1561G>A on transcript NM_006922.4 (MANE Select); coding-DNA position 1561, G replaced by A.
Protein change: p.Asp521Asn; replaces aspartic acid 521 with asparagine.
Molecular consequence: missense variant.
Genome position (GRCh38, 1-based): chr2:165,146,849, C>T on the plus strand (G>A on the coding strand, the complement: SCN3A is on the minus strand). VCF-style: chr2-165146849-C-T. GRCh37 (hg19) VCF-style: chr2-166003359-C-T.
Other names: c.1561G>A, p.Asp521Asn (NM_001081676.2, NM_001081677.2); short protein forms D521N.
Identifiers: ClinVar variation 949214 (VCV000949214.9), dbSNP rs1033274357, ClinGen allele CA60228708.
Genomic context (GRCh38, chr2:165,146,849, plus strand): 5'-TGGAGAAAAGGAAGCTGCTTCTTTTGACGCTGTCTTCAGATTCGGATTTGGGAAAGCTGT[C>T]TCTCTCTCCTTTGTTGTTTCCTTCAAGGTGCTCTCTCTGTCTTCTTTTCTTCCTTCGGTT-3'
Protein context (NP_008853.3, residues 511-531): HLEGNNKGER[Asp521Asn]SFPKSESEDS

ClinVar aggregate classification (germline): Uncertain significance (1 of 4 stars; one submission).

Allele frequency attached by ClinVar (database versions not stated): TOPMed 0.00001.

Submission:

Labcorp Genetics (formerly Invitae), Labcorp
Classification: Uncertain significance. Last evaluated: 2020-01-27. Review status: criteria provided, single submitter. Criteria: Invitae Variant Classification Sherloc (09022015). Collection method: clinical testing. Allele origin: germline.
Comment: This sequence change replaces aspartic acid with asparagine at codon 521 of the SCN3A protein (p.Asp521Asn). The aspartic acid residue is moderately conserved and there is a small physicochemical difference between aspartic acid and asparagine. This variant is not present in population databases (ExAC no frequency). This variant has not been reported in the literature in individuals with SCN3A-related conditions. Algorithms developed to predict the effect of missense changes on protein structure and function output the following: SIFT: "Tolerated"; PolyPhen-2: "Benign"; Align-GVGD: "Class C0". The asparagine amino acid residue is found in multiple mammalian species, suggesting that this missense change does not adversely affect protein function. These predictions have not been confirmed by published functional studies and their clinical significance is uncertain. In summary, the available evidence is currently insufficient to determine the role of this variant in disease. Therefore, it has been classified as a Variant of Uncertain Significance.